The following is an entry in ClinVar:

NM_001232.4(CASQ2):c.532+6T>C

Gene: CASQ2 (calsequestrin 2; minus strand). Cytogenetic location: 1p13.1.
Variant type: single nucleotide variant.
Coding change: c.532+6T>C on transcript NM_001232.4 (MANE Select); 6 bases into the intron after coding-DNA position 532, T replaced by C.
Molecular consequence: intron variant.
Genome position (GRCh38, 1-based): chr1:115,738,218, A>G on the plus strand (T>C on the coding strand, the complement: CASQ2 is on the minus strand). VCF-style: chr1-115738218-A-G. GRCh37 (hg19) VCF-style: chr1-116280839-A-G.
Identifiers: ClinVar variation 4738989 (VCV004738989.2).

ClinVar aggregate classification (germline): Uncertain significance. Review status: criteria provided, multiple submitters, no conflicts (2 of 4 stars). 2 submissions from 2 submitters: Uncertain significance (2). Last evaluated 2025-11-24.

Conditions:
Catecholaminergic polymorphic ventricular tachycardia 1. Also called: VENTRICULAR TACHYCARDIA, CATECHOLAMINERGIC POLYMORPHIC, 1, WITH OR WITHOUT ATRIAL DYSFUNCTION AND/OR DILATED CARDIOMYOPATHY; RYR2-Related Catecholaminergic Polymorphic Ventricular Tachycardia; VENTRICULAR TACHYCARDIA, STRESS-INDUCED POLYMORPHIC 1. Identifiers: Orphanet 3286, MedGen C1631597, MONDO:0011484, OMIM 604772.

gnomAD v4.1: 9 of 1,559,066 alleles (0.00058%); highest among the groups gnomAD compares: Non-Finnish European, 0.0008%; no homozygotes.

Submissions (2):

Labcorp Genetics (formerly Invitae), Labcorp
Classification: Uncertain significance for Catecholaminergic polymorphic ventricular tachycardia 1. Last evaluated: 2025-11-24. Review status: criteria provided, single submitter. Criteria: Invitae Variant Classification Sherloc (09022015). Collection method: clinical testing. Allele origin: germline.
Comment: This sequence change falls in intron 4 of the CASQ2 gene. It does not directly change the encoded amino acid sequence of the CASQ2 protein. It affects a nucleotide within the consensus splice site. This variant is not present in population databases (gnomAD no frequency). This variant has not been reported in the literature in individuals affected with CASQ2-related conditions. Variants that disrupt the consensus splice site are a relatively common cause of aberrant splicing (PMID: 17576681, 9536098). Algorithms developed to predict the effect of sequence changes on RNA splicing suggest that this variant may disrupt the consensus splice site. In summary, the available evidence is currently insufficient to determine the role of this variant in disease. Therefore, it has been classified as a Variant of Uncertain Significance.

Blueprint Genetics
Classification: Uncertain significance. Last evaluated: 2024-01-04. Review status: criteria provided, single submitter. Criteria: ACMG Guidelines, 2015. Collection method: clinical testing. Allele origin: germline.

Literature cited by the submitters: PubMed 17576681 (cited by Labcorp Genetics (formerly Invitae), Labcorp); PubMed 9536098 (cited by Labcorp Genetics (formerly Invitae), Labcorp).